The following is an entry in ClinVar:

ClinVar aggregate classification (germline): Likely benign. Review status: criteria provided, multiple submitters, no conflicts (2 of 4 stars). 6 submissions from 6 submitters: Likely benign (6). Last evaluated 2026-01-15.

Conditions:
TTN-related disorder. Also called: TTN-related condition; TTN-related disease; TTN-related disorders.
Cardiovascular phenotype. Identifiers: MedGen CN230736.
Dilated cardiomyopathy 1G (CMD1G). Identifiers: Orphanet 154, MedGen C1858763, MONDO:0011400, OMIM 604145.
Autosomal recessive limb-girdle muscular dystrophy type 2J (LGMDR10). Also called: Limb-girdle muscular dystrophy, type 2J; MUSCULAR DYSTROPHY, LIMB-GIRDLE, AUTOSOMAL RECESSIVE 10. Identifiers: Orphanet 140922, MedGen C1837342, MONDO:0012127, OMIM 608807.

Allele frequency attached by ClinVar (database versions not stated): gnomAD exomes 0.00001 and below 0.00001; TOPMed 0.00005; gnomAD 0.00007; ExAC 0.00001.
gnomAD v4.1: 17 of 1,612,318 alleles (0.0011%); highest among the groups gnomAD compares: African/African-American, 0.02%; no homozygotes.

Submissions (6):

PreventionGenetics, part of Exact Sciences
Classification: Likely benign for TTN-related condition. Last evaluated: 2026-01-15. Review status: criteria provided, single submitter. Criteria: ACMG Guidelines, 2015. Collection method: clinical testing. Allele origin: germline.
Comment: This variant is classified as likely benign based on ACMG/AMP sequence variant interpretation guidelines (Richards et al. 2015 PMID: 25741868, with internal and published modifications).

Mayo Clinic Laboratories, Mayo Clinic
Classification: Likely benign. Last evaluated: 2025-11-08. Review status: criteria provided, single submitter. Criteria: ACMG Guidelines, 2015. Collection method: clinical testing. Allele origin: germline. Observed: 1 variant allele.
Comment: BP4, BP7

Labcorp Genetics (formerly Invitae), Labcorp
Classification: Likely benign for Dilated cardiomyopathy 1G; Autosomal recessive limb-girdle muscular dystrophy type 2J. Last evaluated: 2025-07-29. Review status: criteria provided, single submitter. Criteria: Invitae Variant Classification Sherloc (09022015). Collection method: clinical testing. Allele origin: germline.

Ambry Genetics
Classification: Likely benign for Cardiovascular phenotype. Last evaluated: 2019-09-03. Review status: criteria provided, single submitter. Criteria: Ambry Variant Classification Scheme 2023. Collection method: clinical testing. Allele origin: germline.

GeneDx
Classification: Likely benign. Last evaluated: 2018-03-21. Review status: criteria provided, single submitter. Criteria: GeneDx Variant Classification (06012015). Collection method: clinical testing. Allele origin: germline. Affected: yes.
Comment: This variant is considered likely benign or benign based on one or more of the following criteria: it is a conservative change, it occurs at a poorly conserved position in the protein, it is predicted to be benign by multiple in silico algorithms, and/or has population frequency not consistent with disease.

Laboratory for Molecular Medicine, Mass General Brigham Personalized Medicine
Classification: Likely benign. Last evaluated: 2013-04-26. Review status: criteria provided, single submitter. Criteria: LMM Criteria. Collection method: clinical testing. Allele origin: germline. Observed: 1 variant allele.
Comment: Arg31493Arg in exon 307 of TTN: This variant is not expected to have clinical si gnificance because it does not alter an amino acid residue and is not located wi thin the splice consensus sequence. Arg31493Arg in exon 307 of TTN (allele freq uency = n/a)

NM_001267550.2(TTN):c.102183C>T (p.Arg34061=)

Genes: TTN (titin; minus strand), TTN-AS1 (TTN antisense RNA 1; plus strand). Cytogenetic location: 2q31.2.
Variant type: single nucleotide variant.
Coding change: c.102183C>T on transcript NM_001267550.2 (MANE Select); coding-DNA position 102183, C replaced by T.
Protein change: p.Arg34061=; no amino-acid change (arginine 34061 retained).
Molecular consequence: synonymous variant.
Genome position (GRCh38, 1-based): chr2:178,534,432, G>A on the plus strand (C>T on the coding strand, the complement: TTN is on the minus strand). VCF-style: chr2-178534432-G-A. GRCh37 (hg19) VCF-style: chr2-179399159-G-A.
Other names: p.Arg31493=; c.97260C>T, p.Arg32420= (NM_001256850.1); c.94479C>T, p.Arg31493= (NM_133378.4); c.74988C>T, p.Arg24996= (NM_003319.4); c.75363C>T, p.Arg25121= (NM_133432.3); c.75564C>T, p.Arg25188= (NM_133437.4).
Identifiers: ClinVar variation 178914 (VCV000178914.18), dbSNP rs727504536, ClinGen allele CA183296.